The following is an entry in ClinVar:

ClinVar aggregate classification (germline): Uncertain significance (1 of 4 stars; one submission).

Conditions:
Spermatogenic failure 18. Identifiers: MedGen C4539783, MONDO:0054615, OMIM 617576.
Ciliary dyskinesia, primary, 37 (CILD37). Also called: CILIARY DYSKINESIA, PRIMARY, 37, WITH OR WITHOUT SITUS INVERSUS. Identifiers: MedGen C4539798, MONDO:0033204, OMIM 617577.

gnomAD v4.1: 1 of 1,614,026 alleles (0.000062%); highest among the groups gnomAD compares: Admixed American, 0.0017%; no homozygotes.

Submission:

Labcorp Genetics (formerly Invitae), Labcorp
Classification: Uncertain significance for Ciliary dyskinesia, primary, 37; Spermatogenic failure 18. Last evaluated: 2024-08-31. Review status: criteria provided, single submitter. Criteria: Invitae Variant Classification Sherloc (09022015). Collection method: clinical testing. Allele origin: germline.
Comment: This sequence change replaces serine, which is neutral and polar, with leucine, which is neutral and non-polar, at codon 1210 of the DNAH1 protein (p.Ser1210Leu). This variant is present in population databases (rs530360656, gnomAD 0.003%). This variant has not been reported in the literature in individuals affected with DNAH1-related conditions. Invitae Evidence Modeling of protein sequence and biophysical properties (such as structural, functional, and spatial information, amino acid conservation, physicochemical variation, residue mobility, and thermodynamic stability) indicates that this missense variant is expected to disrupt DNAH1 protein function with a positive predictive value of 80%. In summary, the available evidence is currently insufficient to determine the role of this variant in disease. Therefore, it has been classified as a Variant of Uncertain Significance.

NM_015512.5(DNAH1):c.3629C>T (p.Ser1210Leu)

Gene: DNAH1 (dynein axonemal heavy chain 1; plus strand). Cytogenetic location: 3p21.1.
Variant type: single nucleotide variant.
Coding change: c.3629C>T on transcript NM_015512.5 (MANE Select); coding-DNA position 3629, C replaced by T.
Protein change: p.Ser1210Leu; replaces serine 1210 with leucine.
Molecular consequence: missense variant.
Genome position (GRCh38, 1-based): chr3:52,354,991, C>T. VCF-style: chr3-52354991-C-T. GRCh37 (hg19) VCF-style: chr3-52389007-C-T.
Other names: short protein forms S1210L.
Identifiers: ClinVar variation 3763213 (VCV003763213.2).